The following is an entry in ClinVar:

NM_005732.4(RAD50):c.3753-2A>T

Genes: RAD50 (RAD50 double strand break repair protein; plus strand), TH2-LCR (Th2 cytokine locus control region; plus strand), TH2LCRR (T helper type 2 locus control region associated RNA; minus strand). Cytogenetic location: 5q31.1.
Variant type: single nucleotide variant.
Coding change: c.3753-2A>T on transcript NM_005732.4 (MANE Select); the canonical splice acceptor site of the intron before coding-DNA position 3753, A replaced by T.
Molecular consequence: splice acceptor variant.
Genome position (GRCh38, 1-based): chr5:132,642,176, A>T. VCF-style: chr5-132642176-A-T. GRCh37 (hg19) VCF-style: chr5-131977868-A-T.
Identifiers: ClinVar variation 2034594 (VCV002034594.4), dbSNP rs2479439739, ClinGen allele CA360935461.

ClinVar aggregate classification (germline): Likely pathogenic (1 of 4 stars; one submission).

Conditions:
Hereditary cancer-predisposing syndrome. Also called: Hereditary Cancer Syndrome; Neoplastic Syndromes, Hereditary; Hereditary neoplastic syndrome; Tumor predisposition. Identifiers: Orphanet 140162, MedGen C0027672, MeSH D009386, MONDO:0015356.

Submission:

Labcorp Genetics (formerly Invitae), Labcorp
Classification: Likely pathogenic for Hereditary cancer-predisposing syndrome. Last evaluated: 2025-01-15. Review status: criteria provided, single submitter. Criteria: Invitae Variant Classification Sherloc (09022015). Collection method: clinical testing. Allele origin: germline.
Comment: This sequence change affects an acceptor splice site in intron 24 of the RAD50 gene. RNA analysis indicates that disruption of this splice site induces altered splicing and likely disrupts the C-terminus of the protein. This variant is not present in population databases (gnomAD no frequency). This variant has not been reported in the literature in individuals affected with RAD50-related conditions. ClinVar contains an entry for this variant (Variation ID: 2034594). Variants that disrupt the consensus splice site are a relatively common cause of aberrant splicing (PMID: 17576681, 9536098). Studies have shown that disruption of this splice site results in skipping of exon 25 and introduces a new termination codon (internal data). However the mRNA is not expected to undergo nonsense-mediated decay. This variant disrupts the ATPase-C domain, which is important for RAD50 ATPase activity (PMID: 10892749, 24894818). While functional studies have not been performed to directly test the effect of this variant on RAD50 protein function, this suggests that disruption of this region of the protein is causative of disease. In summary, the currently available evidence indicates that the variant is pathogenic, but additional data are needed to prove that conclusively. Therefore, this variant has been classified as Likely Pathogenic.

Literature cited by the submitters: PubMed 17576681; PubMed 9536098; PubMed 10892749; PubMed 24894818.